The following is an entry in ClinVar:

ClinVar aggregate classification (germline): Uncertain significance (1 of 4 stars; one submission).

Conditions:
Combined immunodeficiency due to LRBA deficiency. Also called: Common variable immunodeficiency 8, with autoimmunity. Identifiers: Orphanet 445018, MedGen C3553512, MONDO:0013863, OMIM 614700.

gnomAD v4.1: 2 of 1,613,838 alleles (0.00012%); highest among the groups gnomAD compares: Non-Finnish European, 0.00017%; no homozygotes.

Submission:

ARUP Laboratories, Molecular Genetics and Genomics, ARUP Laboratories
Classification: Uncertain significance for Combined immunodeficiency due to LRBA deficiency. Last evaluated: 2024-12-19. Review status: criteria provided, single submitter. Criteria: ARUP Molecular Germline Variant Investigation Process 2024. Collection method: clinical testing. Allele origin: germline.
Comment: The LRBA c.8357A>T; p.Gln2786Leu variant (rs756843456), to our knowledge, is not reported in the medical literature or gene specific databases. This variant is also absent from the Genome Aggregation Database (v2.1.1), indicating it is not a common polymorphism. Computational analyses predict that this variant is neutral (REVEL: 0.125). Due to limited information, the clinical significance of this variant is uncertain at this time.

NM_001364905.1(LRBA):c.8324A>T (p.Gln2775Leu)

Gene: LRBA (LPS responsive beige-like anchor protein; minus strand). Cytogenetic location: 4q31.3.
Variant type: single nucleotide variant.
Coding change: c.8324A>T on transcript NM_001364905.1 (MANE Select); coding-DNA position 8324, A replaced by T.
Protein change: p.Gln2775Leu; replaces glutamine 2775 with leucine.
Molecular consequence: missense variant.
Genome position (GRCh38, 1-based): chr4:150,277,997, T>A on the plus strand (A>T on the coding strand, the complement: LRBA is on the minus strand). VCF-style: chr4-150277997-T-A. GRCh37 (hg19) VCF-style: chr4-151199149-T-A.
Other names: c.8321A>T, p.Gln2774Leu (NM_001199282.3); c.8339A>T, p.Gln2780Leu (NM_001367550.1, NM_001440431.1); c.8372A>T, p.Gln2791Leu (NM_001440430.1); c.2042A>T, p.Gln681Leu (NM_001440432.1); c.2036A>T, p.Gln679Leu (NM_001440433.1); c.8357A>T, p.Gln2786Leu (NM_006726.5); short protein forms Q2774L, Q2775L, Q2780L, Q2786L, Q2791L, Q679L, Q681L.
Identifiers: ClinVar variation 4685758 (VCV004685758.1).